The following is an entry in ClinVar:

ClinVar aggregate classification (germline): Uncertain significance (1 of 4 stars; one submission).

Conditions:
Hereditary cancer-predisposing syndrome. Also called: Neoplastic Syndromes, Hereditary; Tumor predisposition; Hereditary Cancer Syndrome; Hereditary neoplastic syndrome. Identifiers: Orphanet 140162, MedGen C0027672, MeSH D009386, MONDO:0015356.

Submission:

Ambry Genetics
Classification: Uncertain significance for Hereditary cancer-predisposing syndrome. Last evaluated: 2020-02-10. Review status: criteria provided, single submitter. Criteria: Ambry Variant Classification Scheme 2023. Collection method: clinical testing. Allele origin: germline.
Comment: The p.P35R variant (also known as c.104C>G), located in coding exon 1 of the CDKN1B gene, results from a C to G substitution at nucleotide position 104. The proline at codon 35 is replaced by arginine, an amino acid with dissimilar properties. This amino acid position is well conserved in available vertebrate species. In addition, the in silico prediction for this alteration is inconclusive. Since supporting evidence is limited at this time, the clinical significance of this alteration remains unclear.

NM_004064.5(CDKN1B):c.104C>G (p.Pro35Arg)

Gene: CDKN1B (cyclin dependent kinase inhibitor 1B; plus strand). Cytogenetic location: 12p13.1.
Variant type: single nucleotide variant.
Coding change: c.104C>G on transcript NM_004064.5 (MANE Select); coding-DNA position 104, C replaced by G.
Protein change: p.Pro35Arg; replaces proline 35 with arginine.
Molecular consequence: missense variant.
Genome position (GRCh38, 1-based): chr12:12,717,943, C>G. VCF-style: chr12-12717943-C-G. GRCh37 (hg19) VCF-style: chr12-12870877-C-G.
Other names: short protein forms P35R.
Identifiers: ClinVar variation 1776575 (VCV001776575.2), dbSNP rs375297371, ClinGen allele CA383968625.